The following is an entry in ClinVar:

NM_004444.5(EPHB4):c.2117G>A (p.Arg706Gln)

Gene: EPHB4 (EPH receptor B4; minus strand). Cytogenetic location: 7q22.1.
Variant type: single nucleotide variant.
Coding change: c.2117G>A on transcript NM_004444.5 (MANE Select); coding-DNA position 2117, G replaced by A.
Protein change: p.Arg706Gln; replaces arginine 706 with glutamine.
Molecular consequence: missense variant.
Genome position (GRCh38, 1-based): chr7:100,812,748, C>T on the plus strand (G>A on the coding strand, the complement: EPHB4 is on the minus strand). VCF-style: chr7-100812748-C-T. GRCh37 (hg19) VCF-style: chr7-100410370-C-T.
Other names: short protein forms R706Q.
Identifiers: ClinVar variation 2403805 (VCV002403805.3), dbSNP rs764440077, ClinGen allele CA4392745.

ClinVar aggregate classification (germline): Conflicting classifications of pathogenicity. Review status: criteria provided, conflicting classifications (1 of 4 stars). 2 submissions from 2 submitters: Uncertain significance (1); Likely benign (1). Last evaluated 2025-11-20.

Conditions:
Cardiovascular phenotype. Identifiers: MedGen CN230736.

Allele frequency attached by ClinVar (database versions not stated): ExAC 0.00003.
gnomAD v4.1: 21 of 1,612,298 alleles (0.0013%); highest among the groups gnomAD compares: Admixed American, 0.005%; no homozygotes.

Submissions (2):

Labcorp Genetics (formerly Invitae), Labcorp
Classification: Uncertain significance. Last evaluated: 2025-11-20. Review status: criteria provided, single submitter. Criteria: Invitae Variant Classification Sherloc (09022015). Collection method: clinical testing. Allele origin: germline.
Comment: This sequence change replaces arginine, which is basic and polar, with glutamine, which is neutral and polar, at codon 706 of the EPHB4 protein (p.Arg706Gln). This variant is present in population databases (rs764440077, gnomAD 0.004%). This variant has not been reported in the literature in individuals affected with EPHB4-related conditions. ClinVar contains an entry for this variant (Variation ID: 2403805). Invitae Evidence Modeling of protein sequence and biophysical properties (such as structural, functional, and spatial information, amino acid conservation, physicochemical variation, residue mobility, and thermodynamic stability) indicates that this missense variant is not expected to disrupt EPHB4 protein function with a negative predictive value of 95%. In summary, the available evidence is currently insufficient to determine the role of this variant in disease. Therefore, it has been classified as a Variant of Uncertain Significance.

Ambry Genetics
Classification: Likely benign for Cardiovascular phenotype. Last evaluated: 2023-06-05. Review status: criteria provided, single submitter. Criteria: Ambry Variant Classification Scheme 2023. Collection method: clinical testing. Allele origin: germline.